The following is an entry in ClinVar:

ClinVar aggregate classification (germline): Uncertain significance (1 of 4 stars; one submission).

Submission:

Labcorp Genetics (formerly Invitae), Labcorp
Classification: Uncertain significance. Last evaluated: 2022-09-01. Review status: criteria provided, single submitter. Criteria: Invitae Variant Classification Sherloc (09022015). Collection method: clinical testing. Allele origin: germline.
Comment: In summary, the available evidence is currently insufficient to determine the role of this variant in disease. Therefore, it has been classified as a Variant of Uncertain Significance. Algorithms developed to predict the effect of missense changes on protein structure and function are either unavailable or do not agree on the potential impact of this missense change (SIFT: "Deleterious"; PolyPhen-2: "Probably Damaging"; Align-GVGD: "Class C0"). ClinVar contains an entry for this variant (Variation ID: 1428457). This variant has not been reported in the literature in individuals affected with RNF168-related conditions. This variant is not present in population databases (gnomAD no frequency). This sequence change replaces proline, which is neutral and non-polar, with leucine, which is neutral and non-polar, at codon 30 of the RNF168 protein (p.Pro30Leu).

NM_152617.4(RNF168):c.89C>T (p.Pro30Leu)

Gene: RNF168 (ring finger protein 168; minus strand). Cytogenetic location: 3q29.
Variant type: single nucleotide variant.
Coding change: c.89C>T on transcript NM_152617.4 (MANE Select); coding-DNA position 89, C replaced by T.
Protein change: p.Pro30Leu; replaces proline 30 with leucine.
Molecular consequence: missense variant.
Genome position (GRCh38, 1-based): chr3:196,503,085, G>A on the plus strand (C>T on the coding strand, the complement: RNF168 is on the minus strand). VCF-style: chr3-196503085-G-A. GRCh37 (hg19) VCF-style: chr3-196229956-G-A.
Other names: short protein forms P30L.
Identifiers: ClinVar variation 1428457 (VCV001428457.6), dbSNP rs2108657479, ClinGen allele CA355628295.